The following is an entry in ClinVar:

ClinVar aggregate classification (germline): Likely pathogenic (1 of 4 stars; one submission).

Conditions:
Gaucher disease. Also called: Acute cerebral Gaucher disease; Cerebroside lipidosis syndrome; Gaucher splenomegaly; Sphingolipidosis 1; Glucocerebrosidosis; Glucosylceramidase deficiency. Identifiers: Orphanet 355, MedGen C0017205, MONDO:0018150.

Allele frequency attached by ClinVar (database versions not stated): TOPMed 0.00001.

Submission:

Laboratory for Molecular Medicine, Mass General Brigham Personalized Medicine
Classification: Likely pathogenic for Gaucher disease. Last evaluated: 2016-11-21. Review status: criteria provided, single submitter. Criteria: LMM Criteria. Collection method: clinical testing. Allele origin: germline. Inheritance: Autosomal recessive inheritance. Observed: 1 variant allele.
Comment: The p.Glu427X variant in GBA has not been previously reported in patients with G aucher disease and was absent from large population studies. This nonsense varia nt leads to a premature termination codon at position 427, which is predicted to lead to a truncated or absent protein. Biallelic mutations (including loss of f unction) in the GBA gene cause Gaucher disease. In summary, this variant meets c riteria to be classified as likely pathogenic for Gaucher disease in an autosoma l recessive manner based upon predicted null effect. Please note that, due to th e technical limitations of the next generation sequencing and Sanger confirmatio n assays, the GBA pseudogene cannot be reliably avoided. Therefore, before makin g clinical decisions regarding this variant, further testing via targeted assays that guarantee avoidance of GBA pseudogene would be required to confirm the pre sence of this variant.

Literature cited by the submitters: PubMed 16185900.

NM_000157.4(GBA1):c.1279G>T (p.Glu427Ter)

Genes: GBA1 (glucosylceramidase beta 1; minus strand), LOC106627981 (GBA recombination region; plus strand). Cytogenetic location: 1q22.
Variant type: single nucleotide variant.
Coding change: c.1279G>T on transcript NM_000157.4 (MANE Select); coding-DNA position 1279, G replaced by T.
Protein change: p.Glu427Ter; replaces glutamic acid 427 with a stop codon.
Molecular consequence: nonsense.
Genome position (GRCh38, 1-based): chr1:155,235,790, C>A on the plus strand (G>T on the coding strand, the complement: GBA1 is on the minus strand). VCF-style: chr1-155235790-C-A. GRCh37 (hg19) VCF-style: chr1-155205581-C-A.
Other names: c.1279G>T, p.Glu427Ter (NM_001005741.3, NM_001005742.3); c.1018G>T, p.Glu340Ter (NM_001171811.2); c.1132G>T, p.Glu378Ter (NM_001171812.2); short protein forms E427*, E340*, E378*.
Identifiers: ClinVar variation 505377 (VCV000505377.4), dbSNP rs149171124, ClinGen allele CA342713575.